The following is an entry in ClinVar:

ClinVar aggregate classification (germline): Uncertain significance (1 of 4 stars; one submission).

Conditions:
Majeed syndrome (MJDS). Also called: LPIN2-Related Majeed Syndrome; CHRONIC RECURRENT MULTIFOCAL OSTEOMYELITIS 1, WITH CONGENITAL DYSERYTHROPOIETIC ANEMIA, WITH OR WITHOUT NEUTROPHILIC DERMATOSIS. Identifiers: Orphanet 77297, MedGen C1864997, MONDO:0012316, OMIM 609628.

gnomAD v4.1: 1 of 1,614,184 alleles (0.000062%); highest among the groups gnomAD compares: Non-Finnish European, 0.000085%; no homozygotes.

Submission:

Labcorp Genetics (formerly Invitae), Labcorp
Classification: Uncertain significance for Majeed syndrome. Last evaluated: 2024-02-24. Review status: criteria provided, single submitter. Criteria: Invitae Variant Classification Sherloc (09022015). Collection method: clinical testing. Allele origin: germline.
Comment: This sequence change replaces serine, which is neutral and polar, with tyrosine, which is neutral and polar, at codon 604 of the LPIN2 protein (p.Ser604Tyr). This variant is not present in population databases (gnomAD no frequency). This variant has not been reported in the literature in individuals affected with LPIN2-related conditions. ClinVar contains an entry for this variant (Variation ID: 2125698). Advanced modeling of protein sequence and biophysical properties (such as structural, functional, and spatial information, amino acid conservation, physicochemical variation, residue mobility, and thermodynamic stability) performed at Invitae indicates that this missense variant is not expected to disrupt LPIN2 protein function with a negative predictive value of 80%. In summary, the available evidence is currently insufficient to determine the role of this variant in disease. Therefore, it has been classified as a Variant of Uncertain Significance.

NM_001375808.2(LPIN2):c.1811C>A (p.Ser604Tyr)

Gene: LPIN2 (lipin 2; minus strand). Cytogenetic location: 18p11.31.
Variant type: single nucleotide variant.
Coding change: c.1811C>A on transcript NM_001375808.2 (MANE Select); coding-DNA position 1811, C replaced by A.
Protein change: p.Ser604Tyr; replaces serine 604 with tyrosine.
Molecular consequence: missense variant.
Genome position (GRCh38, 1-based): chr18:2,925,351, G>T on the plus strand (C>A on the coding strand, the complement: LPIN2 is on the minus strand). VCF-style: chr18-2925351-G-T. GRCh37 (hg19) VCF-style: chr18-2925349-G-T.
Other names: c.1811C>A, p.Ser604Tyr (NM_001375809.1, NM_014646.2); short protein forms S604Y.
Identifiers: ClinVar variation 2125698 (VCV002125698.4), dbSNP rs746391348, ClinGen allele CA401702207.